The following is an entry in ClinVar:

NM_033109.5(PNPT1):c.600dup (p.Val201fs)

Gene: PNPT1 (polyribonucleotide nucleotidyltransferase 1; minus strand). Cytogenetic location: 2p16.1.
Variant type: Duplication.
Coding change: c.600dup on transcript NM_033109.5 (MANE Select); coding-DNA position 600, one base duplicated (T; older notation c.600dupT).
Protein change: p.Val201fs; shifts the reading frame from valine 201.
Molecular consequence: frameshift variant.
Genome position (GRCh38, 1-based): chr2:55,679,761, A duplicated on the plus strand (T on the coding strand, the reverse complement: PNPT1 is on the minus strand). VCF-style (leftmost placement, unchanged base first): chr2-55679760-C-CA. GRCh37 (hg19) VCF-style: chr2-55906895-C-CA.
Other names: short protein forms V201fs.
Identifiers: ClinVar variation 3724544 (VCV003724544.2).
Genomic context (GRCh38, chr2:55,679,760, plus strand): 5'-CTCCAGCAACCACTAAATTTAAAGTACTAGAAGACATTTCTTTTCTTGTTGGGTTAACAA[C>CA]ATATTCTCCATCAATTATTCCTATTCGTACTGCCCCTAAAATGTATTAGAATATTGGCAA-3'

ClinVar aggregate classification (germline): Pathogenic (1 of 4 stars; one submission).

Submission:

Labcorp Genetics (formerly Invitae), Labcorp
Classification: Pathogenic. Last evaluated: 2025-01-18. Review status: criteria provided, single submitter. Criteria: Invitae Variant Classification Sherloc (09022015). Collection method: clinical testing. Allele origin: germline.
Comment: This sequence change creates a premature translational stop signal (p.Val201Cysfs*3) in the PNPT1 gene. It is expected to result in an absent or disrupted protein product. Loss-of-function variants in PNPT1 are known to be pathogenic (PMID: 28594066, 30244537). This variant is not present in population databases (gnomAD no frequency). This variant has not been reported in the literature in individuals affected with PNPT1-related conditions. Algorithms developed to predict the effect of sequence changes on RNA splicing suggest that this variant may disrupt the consensus splice site. For these reasons, this variant has been classified as Pathogenic.

Literature cited by the submitters: PubMed 28594066; PubMed 30244537.